The following is an entry in ClinVar:

NM_001735.3(C5):c.4589-2A>T

Gene: C5 (complement C5; minus strand). Cytogenetic location: 9q33.2.
Variant type: single nucleotide variant.
Coding change: c.4589-2A>T on transcript NM_001735.3 (MANE Select); the canonical splice acceptor site of the intron before coding-DNA position 4589, A replaced by T.
Molecular consequence: splice acceptor variant.
Genome position (GRCh38, 1-based): chr9:120,960,339, T>A on the plus strand (A>T on the coding strand, the complement: C5 is on the minus strand). VCF-style: chr9-120960339-T-A. GRCh37 (hg19) VCF-style: chr9-123722617-T-A.
Other names: c.4607-2A>T (NM_001317163.2).
Identifiers: ClinVar variation 4735582 (VCV004735582.1).

ClinVar aggregate classification (germline): Likely pathogenic (1 of 4 stars; one submission).

Submission:

Labcorp Genetics (formerly Invitae), Labcorp
Classification: Likely pathogenic. Last evaluated: 2026-01-18. Review status: criteria provided, single submitter. Criteria: Invitae Variant Classification Sherloc (09022015). Collection method: clinical testing. Allele origin: germline.
Comment: This sequence change affects an acceptor splice site in intron 37 of the C5 gene. It is expected to disrupt RNA splicing. Variants that disrupt the donor or acceptor splice site typically lead to a loss of protein function (PMID: 16199547), and loss-of-function variants in C5 are known to be pathogenic (PMID: 7730648, 19414197, 27026170). This variant is not present in population databases (gnomAD no frequency). This variant has not been reported in the literature in individuals affected with C5-related conditions. Algorithms developed to predict the effect of sequence changes on RNA splicing suggest that this variant may disrupt the consensus splice site. In summary, the currently available evidence indicates that the variant is pathogenic, but additional data are needed to prove that conclusively. Therefore, this variant has been classified as Likely Pathogenic.

Literature cited by the submitters: PubMed 16199547; PubMed 7730648; PubMed 19414197; PubMed 27026170.